The following is an entry in ClinVar:

NM_001048174.2(MUTYH):c.913+4A>G

Gene: MUTYH (mutY DNA glycosylase; minus strand). Cytogenetic location: 1p34.1.
Variant type: single nucleotide variant.
Coding change: c.913+4A>G on transcript NM_001048174.2 (MANE Select); 4 bases into the intron after coding-DNA position 913, A replaced by G.
Molecular consequence: intron variant.
Genome position (GRCh38, 1-based): chr1:45,332,019, T>C on the plus strand (A>G on the coding strand, the complement: MUTYH is on the minus strand). VCF-style: chr1-45332019-T-C. GRCh37 (hg19) VCF-style: chr1-45797691-T-C.
Other names: c.568+4A>G (NM_001350651.2, NM_001350650.2); c.637+4A>G (NM_001293192.2, NM_001293196.2); c.913+4A>G (NM_001048171.2, NM_001048173.2, NM_001293195.2); c.958+4A>G (NM_001293190.2); c.988+4A>G (NM_012222.3); c.997+4A>G (NM_001128425.2); c.916+4A>G (NM_001048172.2); c.946+4A>G (NM_001293191.2).
Identifiers: ClinVar variation 2173555 (VCV002173555.4), dbSNP rs2524045779, ClinGen allele CA2580063040.
Genomic context (GRCh38, chr1:45,332,019, plus strand): 5'-AACTGGAATGGGGCTTCTGACTGGGCCAGGAAGGGTTGGGGTGGGGGCTAGGTTTGGTGC[T>C]CACCACACTCCTCCACGTCAGGACTGCCCGACAGGCTCCCTGAGGCTAAGAGCTGTTCCT-3'

ClinVar aggregate classification (germline): Uncertain significance (1 of 4 stars; one submission).

Conditions:
Familial adenomatous polyposis 2. Also called: Adenomas, multiple colorectal; COLORECTAL ADENOMATOUS POLYPOSIS, AUTOSOMAL RECESSIVE; ADENOMAS, MULTIPLE COLORECTAL, AUTOSOMAL RECESSIVE; FAP type 2; MYH-associated polyposis; MUTYH-associated polyposis. Identifiers: Orphanet 220460, Orphanet 247798, MedGen C3272841, MONDO:0012041, OMIM 608456.

Submission:

Labcorp Genetics (formerly Invitae), Labcorp
Classification: Uncertain significance for Familial adenomatous polyposis 2. Last evaluated: 2022-06-02. Review status: criteria provided, single submitter. Criteria: Invitae Variant Classification Sherloc (09022015). Collection method: clinical testing. Allele origin: germline.
Comment: In summary, the available evidence is currently insufficient to determine the role of this variant in disease. Therefore, it has been classified as a Variant of Uncertain Significance. Variants that disrupt the consensus splice site are a relatively common cause of aberrant splicing (PMID: 17576681, 9536098). Algorithms developed to predict the effect of sequence changes on RNA splicing suggest that this variant may disrupt the consensus splice site. This variant has not been reported in the literature in individuals affected with MUTYH-related conditions. This variant is not present in population databases (gnomAD no frequency). This sequence change falls in intron 11 of the MUTYH gene. It does not directly change the encoded amino acid sequence of the MUTYH protein. It affects a nucleotide within the consensus splice site.

Literature cited by the submitters: PubMed 17576681; PubMed 9536098.